The following is an entry in ClinVar:

ClinVar aggregate classification (germline): Likely pathogenic (1 of 4 stars; one submission).

Conditions:
Dilated cardiomyopathy 1G (CMD1G). Identifiers: Orphanet 154, MedGen C1858763, MONDO:0011400, OMIM 604145.
Autosomal recessive limb-girdle muscular dystrophy type 2J (LGMDR10). Also called: Limb-girdle muscular dystrophy, type 2J; MUSCULAR DYSTROPHY, LIMB-GIRDLE, AUTOSOMAL RECESSIVE 10. Identifiers: Orphanet 140922, MedGen C1837342, MONDO:0012127, OMIM 608807.

Submission:

Labcorp Genetics (formerly Invitae), Labcorp
Classification: Likely pathogenic for Dilated cardiomyopathy 1G; Autosomal recessive limb-girdle muscular dystrophy type 2J. Last evaluated: 2021-03-23. Review status: criteria provided, single submitter. Criteria: Invitae Variant Classification Sherloc (09022015). Collection method: clinical testing. Allele origin: germline.
Comment: This variant has not been reported in the literature in individuals with TTN-related conditions. In summary, the currently available evidence indicates that the variant is pathogenic, but additional data are needed to prove that conclusively. Therefore, this variant has been classified as Likely Pathogenic. This variant is located in the A band of TTN (PMID: 25589632). Truncating variants in this region are significantly overrepresented in patients affected with dilated cardiomyopathy (PMID: 25589632). Truncating variants in this region have also been reported in individuals affected with autosomal recessive centronuclear myopathy (PMID: 23975875). This variant is not present in population databases (ExAC no frequency). This sequence change creates a premature translational stop signal (p.Arg24515Lysfs*19) in the TTN gene. While this is not anticipated to result in nonsense mediated decay, it is expected to create a truncated TTN protein.

Literature cited by the submitters: PubMed 25589632; PubMed 23975875.

NM_001267550.2(TTN):c.73543dup (p.Arg24515fs)

Genes: TTN-AS1 (TTN antisense RNA 1; plus strand), TTN (titin; minus strand). Cytogenetic location: 2q31.2.
Variant type: Duplication.
Coding change: c.73543dup on transcript NM_001267550.2 (MANE Select); coding-DNA position 73543, one base duplicated (A; older notation c.73543dupA).
Protein change: p.Arg24515fs; shifts the reading frame from arginine 24515.
Molecular consequence: frameshift variant.
Genome position (GRCh38, 1-based): chr2:178,572,589, T duplicated on the plus strand (A on the coding strand, the reverse complement: TTN is on the minus strand). VCF-style (leftmost placement, unchanged base first): chr2-178572588-C-CT. GRCh37 (hg19) VCF-style: chr2-179437315-C-CT.
Other names: c.68620dup, p.Arg22874fs (NM_001256850.1); c.46348dup, p.Arg15450fs (NM_003319.4); c.65839dup, p.Arg21947fs (NM_133378.4); c.46723dup, p.Arg15575fs (NM_133432.3); c.46924dup, p.Arg15642fs (NM_133437.4); short protein forms R15575fs, R15642fs, R22874fs, R15450fs, R21947fs, R24515fs.
Identifiers: ClinVar variation 1478718 (VCV001478718.8), dbSNP rs2154170227, ClinGen allele CA2573134153.